The following is an entry in ClinVar:

NM_001370259.2(MEN1):c.762G>A (p.Leu254=)

Gene: MEN1 (menin 1; minus strand). Cytogenetic location: 11q13.1.
Variant type: single nucleotide variant.
Coding change: c.762G>A on transcript NM_001370259.2 (MANE Select); coding-DNA position 762, G replaced by A.
Protein change: p.Leu254=; no amino-acid change (leucine 254 retained).
Molecular consequence: synonymous variant.
Genome position (GRCh38, 1-based): chr11:64,807,573, C>T on the plus strand (G>A on the coding strand, the complement: MEN1 is on the minus strand). VCF-style: chr11-64807573-C-T. GRCh37 (hg19) VCF-style: chr11-64575045-C-T.
Other names: p.Leu254=; c.777G>A, p.Leu259= (NM_000244.4, NM_130800.3, NM_130801.3 and 3 more transcripts); c.762G>A, p.Leu254= (NM_001370251.2, NM_001370260.2, NM_001370261.2 and 1 more transcripts); c.657G>A, p.Leu219= (NM_001370262.2, NM_001370263.2); c.777G>A (NM_000244.3).
Identifiers: ClinVar variation 215966 (VCV000215966.70), dbSNP rs199909967, ClinGen allele CA061523.

ClinVar aggregate classification (germline): Conflicting classifications of pathogenicity. Review status: criteria provided, conflicting classifications (1 of 4 stars). 16 submissions from 15 submitters: Uncertain significance (1); Benign (4); Likely benign (11). Last evaluated 2026-02-02.

Conditions:
Hereditary cancer-predisposing syndrome. Also called: Tumor predisposition; Neoplastic Syndromes, Hereditary; Hereditary Cancer Syndrome; Hereditary neoplastic syndrome. Identifiers: Orphanet 140162, MedGen C0027672, MeSH D009386, MONDO:0015356.
Multiple endocrine neoplasia, type 1 (MEN1). Also called: Endocrine adenomatosis multiple; MEN 1; MEN I; WERMER SYNDROME; MEA I. Identifiers: Orphanet 652, MedGen C0025267, MeSH D018761, MONDO:0007540, OMIM 131100.
Hyperparathyroidism. Identifiers: MedGen C0020502, MONDO:0001741, HP:0000843.

Allele frequency attached by ClinVar (database versions not stated): ESP Exome Variant Server 0.00008; 1000 Genomes Project 30x 0.00016; TOPMed 0.00016; gnomAD 0.00018; 1000 Genomes Project 0.00020; ExAC 0.00021; gnomAD exomes 0.00021 and 0.00022.

Submissions (16):

Labcorp Genetics (formerly Invitae), Labcorp
Classification: Benign for Multiple endocrine neoplasia, type 1. Last evaluated: 2026-02-02. Review status: criteria provided, single submitter. Criteria: Invitae Variant Classification Sherloc (09022015). Collection method: clinical testing. Allele origin: germline.

Mayo Clinic Laboratories, Mayo Clinic
Classification: Likely benign. Last evaluated: 2025-10-07. Review status: criteria provided, single submitter. Criteria: ACMG Guidelines, 2015. Collection method: clinical testing. Allele origin: germline. Observed: 1 variant allele.
Comment: BP4, BP7

Center for Genomic Medicine, Rigshospitalet, Copenhagen University Hospital
Classification: Likely benign. Last evaluated: 2025-03-04. Review status: criteria provided, single submitter. Criteria: ACMG Guidelines, 2015. Collection method: clinical testing. Allele origin: germline.

Myriad Genetics, Inc.
Classification: Benign for Multiple endocrine neoplasia, type 1. Last evaluated: 2024-11-01. Review status: criteria provided, single submitter. Criteria: Myriad Autosomal Dominant, Autosomal Recessive and X-Linked Classification Criteria (2023). Collection method: clinical testing. Allele origin: unknown.
Comment: This variant is considered benign. This variant is a silent/synonymous amino acid change and it is not expected to impact splicing.

Blueprint Genetics
Classification: Likely benign. Last evaluated: 2024-10-17. Review status: criteria provided, single submitter. Criteria: ACMG Guidelines, 2015. Collection method: clinical testing. Allele origin: germline.

All of Us Research Program, National Institutes of Health
Classification: Likely benign for Multiple endocrine neoplasia, type 1. Last evaluated: 2024-01-11. Review status: criteria provided, single submitter. Criteria: ACMG Guidelines, 2015. Collection method: clinical testing. Allele origin: germline. Inheritance: Autosomal dominant inheritance. Observed: 93 variant alleles, 93 heterozygotes.
Comment: This study involves interpretation of variants in research participants for the purpose of population health screening. Participant phenotype was not available at the time of variant classification. Additional details can be found in publication PMID: 35346344, PMCID: PMC8962531

KCCC/NGS Laboratory, Kuwait Cancer Control Center
Classification: Likely benign for Multiple endocrine neoplasia, type 1. Last evaluated: 2023-07-07. Review status: criteria provided, single submitter. Criteria: ACMG Guidelines, 2015. Collection method: clinical testing. Allele origin: germline. Affected: yes.

Color Diagnostics, LLC DBA Color Health
Classification: Likely benign for Multiple endocrine neoplasia, type 1. Last evaluated: 2022-11-17. Review status: criteria provided, single submitter. Criteria: ACMG Guidelines, 2015. Collection method: clinical testing. Allele origin: germline.

Women's Health and Genetics/Laboratory Corporation of America, LabCorp
Classification: Benign. Last evaluated: 2022-06-21. Review status: criteria provided, single submitter. Criteria: LabCorp Variant Classification Summary - May 2015. Collection method: clinical testing. Allele origin: germline.

CeGaT Center for Human Genetics Tuebingen
Classification: Likely benign. Last evaluated: 2021-11-01. Review status: criteria provided, single submitter. Criteria: CeGaT Center For Human Genetics Tuebingen Variant Classification Criteria Version 2. Collection method: clinical testing. Allele origin: germline. Affected: yes. Observed: 4 variant alleles.

Sema4
Classification: Likely benign for Hereditary cancer-predisposing syndrome. Last evaluated: 2021-08-31. Review status: criteria provided, single submitter. Criteria: Sema4 Curation Guidelines. Collection method: curation. Allele origin: germline.

GeneDx
Classification: Likely benign. Last evaluated: 2018-07-20. Review status: criteria provided, single submitter. Criteria: GeneDx Variant Classification Process June 2021. Collection method: clinical testing. Allele origin: germline. Affected: yes.
Comment: This variant is associated with the following publications: (PMID: 29785153)

Illumina Laboratory Services, Illumina
Classification: Benign for Multiple endocrine neoplasia, type 1. Last evaluated: 2017-04-27. Review status: criteria provided, single submitter. Criteria: ICSL Variant Classification Criteria 13 December 2019. Collection method: clinical testing. Allele origin: germline.
Comment: This variant was observed as part of a predisposition screen in an ostensibly healthy population. A literature search was performed for the gene, cDNA change, and amino acid change (where applicable). No publications were found based on this search. Allele frequency data from public databases was too high to be consistent with this variant causing disease. Therefore, this variant is classified as benign.

Illumina Laboratory Services, Illumina
Classification: Uncertain significance for Hyperparathyroidism. Last evaluated: 2017-04-27. Review status: criteria provided, single submitter. Criteria: ICSL Variant Classification Criteria 13 December 2019. Collection method: clinical testing. Allele origin: germline.

Ambry Genetics
Classification: Likely benign for Hereditary cancer-predisposing syndrome. Last evaluated: 2016-05-19. Review status: criteria provided, single submitter. Criteria: Ambry Variant Classification Scheme 2023. Collection method: clinical testing. Allele origin: germline.

Quest Diagnostics Nichols Institute San Juan Capistrano
Classification: Likely benign. Last evaluated: 2015-05-06. Review status: criteria provided, single submitter. Criteria: Quest Diagnostics criteria. Collection method: clinical testing. Allele origin: unknown.

Literature cited by the submitters: PubMed 34556169 (cited by Quest Diagnostics Nichols Institute San Juan Capistrano); PubMed 26767918 (cited by Quest Diagnostics Nichols Institute San Juan Capistrano).